The following is an entry in ClinVar:

NM_133496.5(SLC30A7):c.1103A>G (p.Tyr368Cys)

Gene: SLC30A7 (solute carrier family 30 member 7; plus strand). Cytogenetic location: 1p21.2.
Variant type: single nucleotide variant.
Coding change: c.1103A>G on transcript NM_133496.5 (MANE Select); coding-DNA position 1103, A replaced by G.
Protein change: p.Tyr368Cys; replaces tyrosine 368 with cysteine.
Molecular consequence: missense variant.
Genome position (GRCh38, 1-based): chr1:100,974,829, A>G. VCF-style: chr1-100974829-A-G. GRCh37 (hg19) VCF-style: chr1-101440385-A-G.
Other names: c.1103A>G, p.Tyr368Cys (NM_001144884.2); short protein forms Y368C.
Identifiers: ClinVar variation 4585436 (VCV004585436.2).

ClinVar aggregate classification (germline): Uncertain significance. Review status: criteria provided, multiple submitters, no conflicts (2 of 4 stars). 2 submissions from 2 submitters: Uncertain significance (2). Last evaluated 2025-11-19.

gnomAD v4.1: 27 of 1,598,716 alleles (0.0017%); highest among the groups gnomAD compares: Non-Finnish European, 0.0023%; no homozygotes.

Submissions (2):

Ambry Genetics
Classification: Uncertain significance. Last evaluated: 2025-11-19. Review status: criteria provided, single submitter. Criteria: Ambry Variant Classification Scheme 2023. Collection method: clinical testing. Allele origin: germline.

Labcorp Genetics (formerly Invitae), Labcorp
Classification: Uncertain significance. Last evaluated: 2025-09-15. Review status: criteria provided, single submitter. Criteria: Invitae Variant Classification Sherloc (09022015). Collection method: clinical testing. Allele origin: germline.
Comment: This sequence change replaces tyrosine, which is neutral and polar, with cysteine, which is neutral and slightly polar, at codon 368 of the SLC30A7 protein (p.Tyr368Cys). This variant is present in population databases (no rsID available, gnomAD 0.002%). This variant has not been reported in the literature in individuals affected with SLC30A7-related conditions. An algorithm developed to predict the effect of missense changes on protein structure and function (PolyPhen-2) suggests that this variant is likely to be disruptive. In summary, the available evidence is currently insufficient to determine the role of this variant in disease. Therefore, it has been classified as a Variant of Uncertain Significance.